The following is an entry in ClinVar:

NM_018100.4(EFHC1):c.1492+1G>A

Gene: EFHC1 (EF-hand domain containing 1; plus strand). Cytogenetic location: 6p12.2.
Variant type: single nucleotide variant.
Coding change: c.1492+1G>A on transcript NM_018100.4 (MANE Select); the canonical splice donor site of the intron after coding-DNA position 1492, G replaced by A.
Molecular consequence: splice donor variant.
Genome position (GRCh38, 1-based): chr6:52,479,251, G>A. VCF-style: chr6-52479251-G-A. GRCh37 (hg19) VCF-style: chr6-52344049-G-A.
Other names: c.1435+1G>A (NM_001172420.2).
Identifiers: ClinVar variation 465663 (VCV000465663.47), dbSNP rs191404037, ClinGen allele CA3856091.
Genomic context (GRCh38, chr6:52,479,251, plus strand): 5'-CAGTGGACAACCCTGTCTACTATGGCCCCAGTGACTTCTTCATTGGTGCTGTGATTGAAG[G>A]TAGGTCTAAACACAGTCCAGAATTTCCTACTGGCTGCCTGAATGAGTTCTTAATTGGAAT-3'

ClinVar aggregate classification (germline): Uncertain significance (1 of 4 stars; one submission).

Conditions:
Absence seizure. Also called: Absence epilepsy. Identifiers: Orphanet 1941, MedGen C0014553.
Myoclonic epilepsy, juvenile, susceptibility to, 1. Also called: Myoclonic Epilepsy, Juvenile, 1; EJM1. Identifiers: MedGen C1850778, MONDO:0020752, OMIM 254770.

Allele frequency attached by ClinVar (database versions not stated): gnomAD 0.00001 and 0.00002; ExAC 0.00002; gnomAD exomes 0.00003 and 0.00006; TOPMed 0.00006; 1000 Genomes Project 30x 0.00016; 1000 Genomes Project 0.00020.
gnomAD v4.1: 87 of 1,613,954 alleles (0.0054%); highest among the groups gnomAD compares: Non-Finnish European, 0.0071%; no homozygotes.

Submissions (2):

Labcorp Genetics (formerly Invitae), Labcorp
Classification: Uncertain significance for Myoclonic epilepsy, juvenile, susceptibility to, 1; Absence seizure. Last evaluated: 2021-06-07. Review status: criteria provided, single submitter. Criteria: Invitae Variant Classification Sherloc (09022015). Collection method: clinical testing. Allele origin: germline.
Comment: This sequence change affects a donor splice site in intron 8 of the EFHC1 gene. It is expected to disrupt RNA splicing and likely results in an absent or disrupted protein product. This variant is present in population databases (rs191404037, ExAC 0.004%) but has not been reported in the literature in individuals with an EFHC1-related disease. The current clinical and genetic evidence is not sufficient to establish whether loss-of-function variants in EFHC1 cause disease. Therefore, this variant has been classified as a Variant of Uncertain Significance.

Dr. Peter K. Rogan Lab, Western University
No classification provided (evidence only). Condition: Lung cancer. Review status: no classification provided. Collection method: in vitro. Allele origin: not applicable. Functional consequence: skipped exon. Not counted in ClinVar's aggregate classification.